The following is an entry in ClinVar:

NM_004621.6(TRPC6):c.351G>A (p.Met117Ile)

Gene: TRPC6 (transient receptor potential cation channel subfamily C member 6; minus strand). Cytogenetic location: 11q22.1.
Variant type: single nucleotide variant.
Coding change: c.351G>A on transcript NM_004621.6 (MANE Select); coding-DNA position 351, G replaced by A.
Protein change: p.Met117Ile; replaces methionine 117 with isoleucine.
Molecular consequence: missense variant.
Genome position (GRCh38, 1-based): chr11:101,504,618, C>T on the plus strand (G>A on the coding strand, the complement: TRPC6 is on the minus strand). VCF-style: chr11-101504618-C-T. GRCh37 (hg19) VCF-style: chr11-101375349-C-T.
Other names: short protein forms M117I.
Identifiers: ClinVar variation 3236182 (VCV003236182.1), dbSNP rs201569636, ClinGen allele CA227535654.
Genomic context (GRCh38, chr11:101,504,618, plus strand): 5'-TAGGGCATTCTGGCCCATGTAATCCACACAGTTAACGTTGAGTGAGTGGCATTCTTCTAA[C>T]ATCTTCCGCACCACTGGGATGTTACCATATTCAGCTGCATCCAAAAAGCGTTCCTCCTCT-3'
Protein context (NP_004612.2, residues 107-127): EYGNIPVVRK[Met117Ile]LEECHSLNVN

ClinVar aggregate classification (germline): Uncertain significance (1 of 4 stars; one submission).

Conditions:
Focal segmental glomerulosclerosis 2 (FSGS2). Identifiers: Orphanet 656, MedGen C1858915, MONDO:0011390, OMIM 603965.

Allele frequency attached by ClinVar (database versions not stated): gnomAD exomes below 0.00001.

Submission:

MVZ Medizinische Genetik Mainz
Classification: Uncertain significance for Focal segmental glomerulosclerosis 2. Last evaluated: 2022-05-05. Review status: criteria provided, single submitter. Criteria: UK Practice Guidelines For Variant Classification V4 01 2020. Collection method: clinical testing. Allele origin: germline. Inheritance: Autosomal dominant inheritance. Affected: yes. Observed: 1 variant allele.
Comment: ACMG Criteria: PM1, PM2_SUP, PP4 (ACMG Version 3)